The following is an entry in ClinVar:

NM_014049.5(ACAD9):c.347-7C>T

Gene: ACAD9 (acyl-CoA dehydrogenase family member 9; plus strand). Cytogenetic location: 3q21.3.
Variant type: single nucleotide variant.
Coding change: c.347-7C>T on transcript NM_014049.5 (MANE Select); 7 bases into the intron before coding-DNA position 347, C replaced by T.
Molecular consequence: intron variant.
Genome position (GRCh38, 1-based): chr3:128,895,303, C>T. VCF-style: chr3-128895303-C-T. GRCh37 (hg19) VCF-style: chr3-128614146-C-T.
Identifiers: ClinVar variation 514381 (VCV000514381.4), dbSNP rs973931566, ClinGen allele CA82525474.

ClinVar aggregate classification (germline): Likely benign. Review status: criteria provided, multiple submitters, no conflicts (2 of 4 stars). 2 submissions from 2 submitters: Likely benign (2). Last evaluated 2023-06-09.

Submissions (2):

Labcorp Genetics (formerly Invitae), Labcorp
Classification: Likely benign. Last evaluated: 2023-06-09. Review status: criteria provided, single submitter. Criteria: Invitae Variant Classification Sherloc (09022015). Collection method: clinical testing. Allele origin: germline.

GeneDx
Classification: Likely benign. Last evaluated: 2018-01-12. Review status: criteria provided, single submitter. Criteria: GeneDx Variant Classification (06012015). Collection method: clinical testing. Allele origin: germline. Affected: yes.
Comment: This variant is considered likely benign or benign based on one or more of the following criteria: it is a conservative change, it occurs at a poorly conserved position in the protein, it is predicted to be benign by multiple in silico algorithms, and/or has population frequency not consistent with disease.